The following is an entry in ClinVar:

ClinVar aggregate classification (germline): Uncertain significance (1 of 4 stars; one submission).

Conditions:
Hereditary spastic paraplegia 11. Also called: Nakamura Osame syndrome; Autosomal recessive hereditary spastic paraplegia, mental impairment, and thin corpus callosum; SPASTIC PARAPLEGIA, AUTOSOMAL RECESSIVE, COMPLICATED, WITH THIN CORPUS CALLOSUM; SPASTIC PARAPLEGIA, AUTOSOMAL RECESSIVE, WITH MENTAL IMPAIRMENT AND THIN CORPUS CALLOSUM; Spastic paraplegia, mental retardation and thin corpus callosum; Spastic Paraplegia 11. Identifiers: Orphanet 2822, MedGen C1858479, MONDO:0011445, OMIM 604360.

Allele frequency attached by ClinVar (database versions not stated): gnomAD 0.00001.
gnomAD v4.1: 6 of 1,613,702 alleles (0.00037%); highest among the groups gnomAD compares: Non-Finnish European, 0.00051%; no homozygotes.

Submission:

Labcorp Genetics (formerly Invitae), Labcorp
Classification: Uncertain significance for Hereditary spastic paraplegia 11. Last evaluated: 2021-08-26. Review status: criteria provided, single submitter. Criteria: Invitae Variant Classification Sherloc (09022015). Collection method: clinical testing. Allele origin: germline.
Comment: This sequence change replaces lysine with asparagine at codon 1650 of the SPG11 protein (p.Lys1650Asn). The lysine residue is moderately conserved and there is a moderate physicochemical difference between lysine and asparagine. This variant is not present in population databases (ExAC no frequency). This variant has not been reported in the literature in individuals affected with SPG11-related conditions. Algorithms developed to predict the effect of missense changes on protein structure and function are either unavailable or do not agree on the potential impact of this missense change (SIFT: "Tolerated"; PolyPhen-2: "Probably Damaging"; Align-GVGD: "Class C0"). In summary, the available evidence is currently insufficient to determine the role of this variant in disease. Therefore, it has been classified as a Variant of Uncertain Significance.

NM_025137.4(SPG11):c.4950G>T (p.Lys1650Asn)

Gene: SPG11 (SPG11 vesicle trafficking associated, spatacsin; minus strand). Cytogenetic location: 15q21.1.
Variant type: single nucleotide variant.
Coding change: c.4950G>T on transcript NM_025137.4 (MANE Select); coding-DNA position 4950, G replaced by T.
Protein change: p.Lys1650Asn; replaces lysine 1650 with asparagine.
Molecular consequence: missense variant.
Genome position (GRCh38, 1-based): chr15:44,585,807, C>A on the plus strand (G>T on the coding strand, the complement: SPG11 is on the minus strand). VCF-style: chr15-44585807-C-A. GRCh37 (hg19) VCF-style: chr15-44878005-C-A.
Other names: c.4950G>T, p.Lys1650Asn (NM_001160227.2); short protein forms K1650N.
Identifiers: ClinVar variation 578703 (VCV000578703.6), dbSNP rs764587462, ClinGen allele CA392223646.